The following is an entry in ClinVar:

ClinVar aggregate classification (germline): Uncertain significance (1 of 4 stars; one submission).

Submission:

Ambry Genetics
Classification: Uncertain significance. Last evaluated: 2025-02-28. Review status: criteria provided, single submitter. Criteria: Ambry Variant Classification Scheme 2023. Collection method: clinical testing. Allele origin: germline.
Comment: The p.P1471A variant (also known as c.4411C>G), located in coding exon 19 of the WNK2 gene, results from a C to G substitution at nucleotide position 4411. The proline at codon 1471 is replaced by alanine, an amino acid with highly similar properties. This amino acid position is conserved. In addition, this alteration is predicted to be tolerated by in silico analysis. Based on the available evidence, the clinical significance of this variant remains unclear.

NM_006648.4(WNK2):c.4411C>G (p.Pro1471Ala)

Gene: WNK2 (WNK lysine deficient protein kinase 2; plus strand). Cytogenetic location: 9q22.31.
Variant type: single nucleotide variant.
Coding change: c.4411C>G on transcript NM_006648.4 (MANE Select); coding-DNA position 4411, C replaced by G.
Protein change: p.Pro1471Ala; replaces proline 1471 with alanine.
Molecular consequence: missense variant.
Genome position (GRCh38, 1-based): chr9:93,289,165, C>G. VCF-style: chr9-93289165-C-G. GRCh37 (hg19) VCF-style: chr9-96051447-C-G.
Other names: c.4522C>G, p.Pro1508Ala (NM_001282394.3); short protein forms P1471A, P1508A.
Identifiers: ClinVar variation 3817180 (VCV003817180.1).